The following is an entry in ClinVar:

NM_004006.3(DMD):c.1977_1981del (p.Lys660fs)

Gene: DMD (dystrophin; minus strand). Cytogenetic location: Xp21.1.
Variant type: Deletion.
Coding change: c.1977_1981del on transcript NM_004006.3 (MANE Select); coding-DNA positions 1977 to 1981, 5 bases deleted (AAAGA; older notation c.1977_1981delAAAGA).
Protein change: p.Lys660fs; shifts the reading frame from lysine 660.
Molecular consequence: frameshift variant.
Genome position (GRCh38, 1-based): chrX:32,565,713-32,565,717, TCTTT deleted on the plus strand (AAAGA on the coding strand, the reverse complement: DMD is on the minus strand); deleting any 5 consecutive bases within chrX:32,565,713-32,565,719 gives the same sequence; the c. name uses the placement nearest the transcript's 3' end. VCF-style (leftmost placement, unchanged base first): chrX-32565712-CTCTTT-C. GRCh37 (hg19) VCF-style: chrX-32583829-CTCTTT-C.
Other names: c.1977_1981delAAAGA (NM_004006.2); c.1953_1957del, p.Lys652fs (NM_000109.4); c.1965_1969del, p.Lys656fs (NM_004009.3); c.1608_1612del, p.Lys537fs (NM_004010.3); short protein forms K660fs, K537fs, K652fs, K656fs.
Identifiers: ClinVar variation 503875 (VCV000503875.2), dbSNP rs1556802365, ClinGen allele CA658799668.
Genomic context (GRCh38, chrX:32,565,712, plus strand): 5'-TTTAAAAAATCTCTGAGATAGTCTGTAGCATGATAATTGGTATCACTAACCTGTGCTGTA[CTCTTT>C]TCAAGTTTTTGGACTAAATTATCCCAACACCGGGCAAAGTTATCCAGCCATGCTTCCGTC-3'

ClinVar aggregate classification (germline): Pathogenic (1 of 4 stars; one submission).

Submission:

GeneDx
Classification: Pathogenic. Last evaluated: 2017-12-01. Review status: criteria provided, single submitter. Criteria: GeneDx Variant Classification (06012015). Collection method: clinical testing. Allele origin: germline. Affected: yes.
Comment: The c.1977_1981delAAAGA variant has not been published as a pathogenic variant, nor has it been reported as a benign variant to our knowledge. The c.1977_1981delAAAGA variant causes a frameshift starting with codon Lysine 660, changes this amino acid to a Tyrosine residue, and creates a premature Stop codon at position 58 of the new reading frame, denoted p.Lys660TyrfsX58. This variant is predicted to cause loss of normal protein function either through protein truncation or nonsense-mediated mRNA decay. The c.1977_1981delAAAGA variant is not observed in large population cohorts (Lek et al., 2016).